The following is an entry in ClinVar:

NM_000891.3(KCNJ2):c.271G>A (p.Ala91Thr)

Gene: KCNJ2 (potassium inwardly rectifying channel subfamily J member 2; plus strand). Cytogenetic location: 17q24.3.
Variant type: single nucleotide variant.
Coding change: c.271G>A on transcript NM_000891.3 (MANE Select); coding-DNA position 271, G replaced by A.
Protein change: p.Ala91Thr; replaces alanine 91 with threonine.
Molecular consequence: missense variant.
Genome position (GRCh38, 1-based): chr17:70,175,310, G>A. VCF-style: chr17-70175310-G-A. GRCh37 (hg19) VCF-style: chr17-68171451-G-A.
Other names: short protein forms A91T.
Identifiers: ClinVar variation 1385184 (VCV001385184.8), dbSNP rs2144376712, ClinGen allele CA400860236.

ClinVar aggregate classification (germline): Uncertain significance (1 of 4 stars; one submission).

Conditions:
Andersen Tawil syndrome (LQT7). Also called: Potassium-sensitive periodic paralysis, ventricular ectopy, and dysmorphic features; ANDERSEN CARDIODYSRHYTHMIC PERIODIC PARALYSIS; PERIODIC PARALYSIS, POTASSIUM-SENSITIVE CARDIODYSRHYTHMIC TYPE; Andersen Syndrome; LONG QT SYNDROME 7. Identifiers: Orphanet 37553, MedGen C1563715, MONDO:0008222, OMIM 170390.
Short QT syndrome type 3. Identifiers: Orphanet 51083, MedGen C1865018, MONDO:0012314, OMIM 609622.

Submission:

Labcorp Genetics (formerly Invitae), Labcorp
Classification: Uncertain significance for Short QT syndrome type 3; Andersen Tawil syndrome. Last evaluated: 2022-07-11. Review status: criteria provided, single submitter. Criteria: Invitae Variant Classification Sherloc (09022015). Collection method: clinical testing. Allele origin: germline.
Comment: In summary, the available evidence is currently insufficient to determine the role of this variant in disease. Therefore, it has been classified as a Variant of Uncertain Significance. Algorithms developed to predict the effect of missense changes on protein structure and function (SIFT, PolyPhen-2, Align-GVGD) all suggest that this variant is likely to be tolerated. ClinVar contains an entry for this variant (Variation ID: 1385184). This variant has not been reported in the literature in individuals affected with KCNJ2-related conditions. This variant is not present in population databases (gnomAD no frequency). This sequence change replaces alanine, which is neutral and non-polar, with threonine, which is neutral and polar, at codon 91 of the KCNJ2 protein (p.Ala91Thr).